The following is an entry in ClinVar:

ClinVar aggregate classification (germline): Uncertain significance. Review status: criteria provided, multiple submitters, no conflicts (2 of 4 stars). 2 submissions from 2 submitters: Uncertain significance (2). Last evaluated 2025-11-11.

Conditions:
PTPRQ-related disorder. Also called: PTPRQ-related condition.

gnomAD v4.1: 11 of 1,540,662 alleles (0.00071%); highest among the groups gnomAD compares: Non-Finnish European, 0.00096%; no homozygotes.

Submissions (2):

PreventionGenetics, part of Exact Sciences
Classification: Uncertain significance for PTPRQ-related condition. Last evaluated: 2025-11-11. Review status: criteria provided, single submitter. Criteria: ACMG Guidelines, 2015. Collection method: clinical testing. Allele origin: germline.
Comment: The PTPRQ c.3203C>G variant is predicted to result in the amino acid substitution p.Thr1068Ser. To our knowledge, this variant has not been reported in the literature or in a large population database (gnomAD), indicating this variant is rare. At this time, the clinical significance of this variant is uncertain due to the absence of conclusive functional and genetic evidence.

GeneDx
Classification: Uncertain significance. Last evaluated: 2025-07-28. Review status: criteria provided, single submitter. Criteria: GeneDx Variant Classification Process June 2021. Collection method: clinical testing. Allele origin: germline. Affected: yes.
Comment: Not observed at significant frequency in large population cohorts (gnomAD); In silico analysis supports that this missense variant has a deleterious effect on protein structure/function; Has not been previously published as pathogenic or benign to our knowledge

NM_001145026.2(PTPRQ):c.3203C>G (p.Thr1068Ser)

Gene: PTPRQ (protein tyrosine phosphatase receptor type Q; plus strand). Cytogenetic location: 12q21.31.
Variant type: single nucleotide variant.
Coding change: c.3203C>G on transcript NM_001145026.2 (MANE Select); coding-DNA position 3203, C replaced by G.
Protein change: p.Thr1068Ser; replaces threonine 1068 with serine.
Molecular consequence: missense variant.
Genome position (GRCh38, 1-based): chr12:80,541,603, C>G. VCF-style: chr12-80541603-C-G. GRCh37 (hg19) VCF-style: chr12-80935382-C-G.
Other names: short protein forms T1068S.
Identifiers: ClinVar variation 4689909 (VCV004689909.2).